The following is an entry in ClinVar:

ClinVar aggregate classification (germline): Uncertain significance (1 of 4 stars; one submission).

Conditions:
Hyperammonemic encephalopathy due to carbonic anhydrase VA deficiency. Also called: Carbonic Anhydrase VA Deficiency; Carbonic anhydrase VA deficiency, hyperammonemia due to. Identifiers: Orphanet 401948, MedGen C4706871, MONDO:0014332, OMIM 615751.

Submission:

Labcorp Genetics (formerly Invitae), Labcorp
Classification: Uncertain significance for Hyperammonemic encephalopathy due to carbonic anhydrase VA deficiency. Last evaluated: 2024-11-11. Review status: criteria provided, single submitter. Criteria: Invitae Variant Classification Sherloc (09022015). Collection method: clinical testing. Allele origin: germline.
Comment: This sequence change replaces threonine, which is neutral and polar, with isoleucine, which is neutral and non-polar, at codon 62 of the CA5A protein (p.Thr62Ile). This variant is not present in population databases (gnomAD no frequency). This variant has not been reported in the literature in individuals affected with CA5A-related conditions. ClinVar contains an entry for this variant (Variation ID: 1964306). Invitae Evidence Modeling of protein sequence and biophysical properties (such as structural, functional, and spatial information, amino acid conservation, physicochemical variation, residue mobility, and thermodynamic stability) indicates that this missense variant is not expected to disrupt CA5A protein function with a negative predictive value of 80%. In summary, the available evidence is currently insufficient to determine the role of this variant in disease. Therefore, it has been classified as a Variant of Uncertain Significance.

NM_001739.2(CA5A):c.185C>T (p.Thr62Ile)

Gene: CA5A (carbonic anhydrase 5A; minus strand). Cytogenetic location: 16q24.2.
Variant type: single nucleotide variant.
Coding change: c.185C>T on transcript NM_001739.2 (MANE Select); coding-DNA position 185, C replaced by T.
Protein change: p.Thr62Ile; replaces threonine 62 with isoleucine.
Molecular consequence: missense variant. On other transcripts: non-coding transcript variant (2).
Genome position (GRCh38, 1-based): chr16:87,926,903, G>A on the plus strand (C>T on the coding strand, the complement: CA5A is on the minus strand). VCF-style: chr16-87926903-G-A. GRCh37 (hg19) VCF-style: chr16-87960509-G-A.
Other names: c.185C>T, p.Thr62Ile (NM_001367225.1); short protein forms T62I.
Identifiers: ClinVar variation 1964306 (VCV001964306.5), dbSNP rs1272266017, ClinGen allele CA397038472.